The following is an entry in ClinVar:

ClinVar aggregate classification (germline): Pathogenic/Likely pathogenic. Review status: criteria provided, multiple submitters, no conflicts (2 of 4 stars). 4 submissions from 4 submitters: Pathogenic (3); Likely pathogenic (1). Last evaluated 2026-08-25.

Conditions:
Hereditary cancer-predisposing syndrome. Also called: Hereditary neoplastic syndrome; Neoplastic Syndromes, Hereditary; Tumor predisposition; Hereditary Cancer Syndrome. Identifiers: Orphanet 140162, MedGen C0027672, MeSH D009386, MONDO:0015356.
BAP1-related tumor predisposition syndrome (TPDS1). Also called: Tumor susceptibility linked to germline BAP1 mutations; COMMON Syndrome; TUMOR PREDISPOSITION SYNDROME 1; BAP1 tumor predisposition syndrome. Identifiers: Orphanet 289539, MedGen C3280492, MONDO:0013692, OMIM 614327.

Submissions (4):

Ambry Genetics
Classification: Pathogenic for Hereditary cancer-predisposing syndrome. Last evaluated: 2026-08-25. Review status: criteria provided, single submitter. Criteria: Ambry Variant Classification Scheme 2023. Collection method: clinical testing. Allele origin: germline.
Comment: The c.2012delA pathogenic mutation, located in coding exon 16 of the BAP1 gene, results from a deletion of one nucleotide at nucleotide position 2012, causing a translational frameshift with a predicted alternate stop codon (p.Y671Sfs*21). This variant occurs at the 3' terminus of the gene, is not expected to trigger nonsense-mediated mRNA decay, and impacts the last 8% of the protein. However, premature stop codons are typically deleterious in nature, the impacted region is critical for protein function, and a significant portion of the protein is affected (Ambry internal data). This variant was reported in individual(s) with features consistent with BAP1-related tumor predisposition syndrome (Ambry internal data). This variant is considered to be rare based on population cohorts in the Genome Aggregation Database (gnomAD).Based on the supporting evidence, this variant is interpreted as a disease-causing mutation.

Myriad Genetics, Inc.
Classification: Pathogenic for BAP1-related tumor predisposition syndrome. Last evaluated: 2024-02-06. Review status: criteria provided, single submitter. Criteria: Myriad Autosomal Dominant, Autosomal Recessive and X-Linked Classification Criteria (2023). Collection method: clinical testing. Allele origin: unknown.
Comment: This variant is considered pathogenic. This variant creates a frameshift predicted to result in premature protein truncation.

Baylor Genetics
Classification: Likely pathogenic for BAP1-related tumor predisposition syndrome. Last evaluated: 2023-04-14. Review status: criteria provided, single submitter. Criteria: ACMG Guidelines, 2015. Collection method: clinical testing. Allele origin: unknown.

Labcorp Genetics (formerly Invitae), Labcorp
Classification: Pathogenic for BAP1-related tumor predisposition syndrome. Last evaluated: 2022-05-12. Review status: criteria provided, single submitter. Criteria: Invitae Variant Classification Sherloc (09022015). Collection method: clinical testing. Allele origin: germline.
Comment: For these reasons, this variant has been classified as Pathogenic. This variant disrupts a region of the BAP1 protein in which other variant(s) (p.Gln684*) have been determined to be pathogenic (PMID: 21874000, 24243779). This suggests that this is a clinically significant region of the protein, and that variants that disrupt it are likely to be disease-causing. This variant has not been reported in the literature in individuals affected with BAP1-related conditions. This variant is not present in population databases (gnomAD no frequency). This sequence change creates a premature translational stop signal (p.Tyr671Serfs*21) in the BAP1 gene. While this is not anticipated to result in nonsense mediated decay, it is expected to disrupt the last 59 amino acid(s) of the BAP1 protein.

Literature cited by the submitters: PubMed 21874000 (cited by Labcorp Genetics (formerly Invitae), Labcorp); PubMed 24243779 (cited by Labcorp Genetics (formerly Invitae), Labcorp).

NM_004656.4(BAP1):c.2012del (p.Tyr671fs)

Gene: BAP1 (BRCA1 associated deubiquitinase 1; minus strand). Cytogenetic location: 3p21.1.
Variant type: Deletion.
Coding change: c.2012del on transcript NM_004656.4 (MANE Select); coding-DNA position 2012, one base deleted (A; older notation c.2012delA).
Protein change: p.Tyr671fs; shifts the reading frame from tyrosine 671.
Molecular consequence: frameshift variant.
Genome position (GRCh38, 1-based): chr3:52,402,646, T deleted on the plus strand (A on the coding strand, the reverse complement: BAP1 is on the minus strand). VCF-style (leftmost placement, unchanged base first): chr3-52402645-GT-G. GRCh37 (hg19) VCF-style: chr3-52436661-GT-G.
Other names: c.1958delA, p.Tyr653Serfs (NM_001410772.1); short protein forms Y671fs.
Identifiers: ClinVar variation 1987603 (VCV001987603.7), dbSNP rs2471320496, ClinGen allele CA2580070179.